The following is an entry in ClinVar:

NM_015459.5(ATL3):c.949dup (p.Thr317fs)

Genes: ATL3 (atlastin GTPase 3; minus strand), LNCROPM (lncRNA regulator of PLAAT3 mediated phospholipid metabolism; plus strand). Cytogenetic location: 11q13.1.
Variant type: Duplication.
Coding change: c.949dup on transcript NM_015459.5 (MANE Select); coding-DNA position 949, one base duplicated (A; older notation c.949dupA).
Protein change: p.Thr317fs; shifts the reading frame from threonine 317.
Molecular consequence: frameshift variant.
Genome position (GRCh38, 1-based): chr11:63,636,236, T duplicated on the plus strand (A on the coding strand, the reverse complement: ATL3 is on the minus strand). VCF-style (leftmost placement, unchanged base first): chr11-63636235-G-GT. GRCh37 (hg19) VCF-style: chr11-63403707-G-GT.
Other names: c.895dup, p.Thr299fs (NM_001290048.2); short protein forms T299fs, T317fs.
Identifiers: ClinVar variation 1042296 (VCV001042296.8), dbSNP rs750595422, ClinGen allele CA6063647.

ClinVar aggregate classification (germline): Uncertain significance. Review status: criteria provided, multiple submitters, no conflicts (2 of 4 stars). 2 submissions from 2 submitters: Uncertain significance (2). Last evaluated 2023-01-15.

Conditions:
Inborn genetic diseases. Identifiers: MedGen C0950123, MeSH D030342.
Neuropathy, hereditary sensory, type 1F. Also called: HSN IF; Hereditary sensory neuropathy type IF. Identifiers: Orphanet 36386, MedGen C3810194, MONDO:0014286, OMIM 615632.

Allele frequency attached by ClinVar (database versions not stated): gnomAD exomes below 0.00001 and 0.00001; gnomAD 0.00001; TOPMed 0.00001; ExAC 0.00002.

Submissions (2):

Labcorp Genetics (formerly Invitae), Labcorp
Classification: Uncertain significance for Neuropathy, hereditary sensory, type 1F. Last evaluated: 2023-01-15. Review status: criteria provided, single submitter. Criteria: Invitae Variant Classification Sherloc (09022015). Collection method: clinical testing. Allele origin: germline.
Comment: In summary, the available evidence is currently insufficient to determine the role of this variant in disease. Therefore, it has been classified as a Variant of Uncertain Significance. ClinVar contains an entry for this variant (Variation ID: 1042296). This variant has not been reported in the literature in individuals affected with ATL3-related conditions. This variant is present in population databases (rs750595422, gnomAD 0.002%). This sequence change creates a premature translational stop signal (p.Thr317Asnfs*10) in the ATL3 gene. It is expected to result in an absent or disrupted protein product. However, the current clinical and genetic evidence is not sufficient to establish whether loss-of-function variants in ATL3 cause disease.

Ambry Genetics
Classification: Uncertain significance for Inborn genetic diseases. Last evaluated: 2021-02-12. Review status: criteria provided, single submitter. Criteria: Ambry Variant Classification Scheme 2023. Collection method: clinical testing. Allele origin: germline.
Comment: The c.949dupA variant, located in coding exon 9 of the ATL3 gene, results from a duplication of A at nucleotide position 949, causing a translational frameshift with a predicted alternate stop codon (p.T317Nfs*10). This alteration is expected to result in premature protein truncation or nonsense-mediated mRNA decay. However, loss of function of ATL3 has not been clearly established as a mechanism of disease. Since supporting evidence is limited at this time, the clinical significance of this alteration remains unclear.